The following is an entry in ClinVar:

ClinVar aggregate classification (germline): Uncertain significance (1 of 4 stars; one submission).

gnomAD v4.1: 248 of 1,243,854 alleles (0.02%); highest among the groups gnomAD compares: Non-Finnish European, 0.026%; 74 homozygotes.

Submission:

Ambry Genetics
Classification: Uncertain significance. Last evaluated: 2026-09-02. Review status: criteria provided, single submitter. Criteria: Ambry Variant Classification Scheme 2023. Collection method: clinical testing. Allele origin: germline.
Comment: The c.558G>A (p.M186I) alteration is located in exon 2 (coding exon 2) of the ACOT1 gene. This alteration results from a G to A substitution at nucleotide position 558, causing the methionine (M) at amino acid position 186 to be replaced by an isoleucine (I). Based on data from gnomAD, the A allele has an overall frequency of 0.015% (30/207064) total alleles studied. The highest observed frequency was 0.025% (25/100606) of European (non-Finnish) alleles. Based on insufficient or conflicting evidence, the clinical significance of this alteration remains unclear.

NM_001037161.2(ACOT1):c.558G>A (p.Met186Ile)

Genes: ACOT1 (acyl-CoA thioesterase 1; plus strand), HEATR4 (HEAT repeat containing 4; minus strand). Cytogenetic location: 14q24.3.
Variant type: single nucleotide variant.
Coding change: c.558G>A on transcript NM_001037161.2 (MANE Select); coding-DNA position 558, G replaced by A.
Protein change: p.Met186Ile; replaces methionine 186 with isoleucine.
Molecular consequence: missense variant. On other transcripts: intron variant (2).
Genome position (GRCh38, 1-based): chr14:73,541,593, G>A. VCF-style: chr14-73541593-G-A. GRCh37 (hg19) VCF-style: chr14-74008297-G-A.
Other names: c.-73+17158C>T (NM_203309.2); c.-151-11349C>T (NM_001220484.1); short protein forms M186I.
Identifiers: ClinVar variation 5031000 (VCV005031000.1).
Genomic context (GRCh38, chr14:73,541,593, plus strand): 5'-TGGAGGTGGCCTGCTGGAGTATCGGGCTAGTCTGCTGGCTGGGAAGGGTTTTGCTGTGAT[G>A]GCTCTGGCTTACTATAACTATGAAGACCTCCCCAAGACCATGGAGACGCTCCATCTGGAG-3'
Protein context (NP_001032238.1, residues 176-196): SLLAGKGFAV[Met186Ile]ALAYYNYEDL